The following is an entry in ClinVar:

NM_000558.5(HBA1):c.8_9insTGTT (p.Ser4fs)

Genes: HBA1 (hemoglobin subunit alpha 1; plus strand), LOC106804613 (hemoglobin subunit alpha 1 recombination region; plus strand). Cytogenetic location: 16p13.3.
Variant type: Insertion.
Coding change: c.8_9insTGTT on transcript NM_000558.5 (MANE Select); coding-DNA positions 8 to 9, TGTT inserted.
Protein change: p.Ser4fs; shifts the reading frame from serine 4.
Molecular consequence: frameshift variant.
Genome position: GRCh38 VCF-style: chr16-176723-C-CTTGT. GRCh37 (hg19) VCF-style: chr16-226722-C-CTTGT.
Other names: short protein forms S4fs.
Identifiers: ClinVar variation 4814419 (VCV004814419.1).
Genomic context (GRCh38, chr16:176,723, plus strand): 5'-CGCGCTCGCGGCCCGGCACTCTTCTGGTCCCCACAGACTCAGAGAGAACCCACCATGGTG[C>CTTGT]TGTCTCCTGCCGACAAGACCAACGTCAAGGCCGCCTGGGGTAAGGTCGGCGCGCACGCTG-3'

ClinVar aggregate classification (germline): Likely pathogenic (1 of 4 stars; one submission).

Conditions:
alpha Thalassemia. Also called: Alpha thalassemia spectrum. Identifiers: Orphanet 846, MedGen C0002312, MONDO:0011399, OMIM 604131.

Submission:

Natera, Inc.
Classification: Likely pathogenic for Alpha thalassemia. Last evaluated: 2024-05-28. Review status: criteria provided, single submitter. Criteria: Natera Variant Classification Schema (03/2026). Collection method: clinical testing. Allele origin: germline.
Comment: The c.8_9insTGTT variant in HBA1 is a frameshift variant predicted to shift the reading frame beginning at codon 4 and leads to a stop codon 15 codons downstream. This variant is expected to result in nonsense mediated decay, truncation, or a dysfunctional protein product. This variant is rare in the general population with a frequency below the threshold expected for the associated phenotype(s). Given the available evidence, this variant is classified as Likely Pathogenic.